The following is an entry in ClinVar:

NM_000255.4(MMUT):c.2006_2011delinsGGGCG (p.Val669fs)

Gene: MMUT (methylmalonyl-CoA mutase; minus strand). Cytogenetic location: 6p12.3.
Variant type: Indel.
Coding change: c.2006_2011delinsGGGCG on transcript NM_000255.4 (MANE Select); coding-DNA positions 2006 to 2011, TGGGCA replaced by GGGCG.
Protein change: p.Val669fs; shifts the reading frame from valine 669.
Molecular consequence: frameshift variant.
Genome position (GRCh38, 1-based): chr6:49,435,569-49,435,574, TGCCCA replaced by CGCCC on the plus strand (TGGGCA replaced by GGGCG on the coding strand, the reverse complement: MMUT is on the minus strand). VCF-style: chr6-49435569-TGCCCA-CGCCC. GRCh37 (hg19) VCF-style: chr6-49403282-TGCCCA-CGCCC.
Other names: short protein forms V669fs.
Identifiers: ClinVar variation 5004676 (VCV005004676.1).
Genomic context (GRCh38, chr6:49,435,569, plus strand): 5'-AGTTAAGTTCTTTGATGAGTTCAGGAACTAGGGTTTTATGACCAGCAGCGAGGGTGCTTA[TGCCCA>CGCCC]CAGCATGCACATCCGCATCCACAGCCTGCTGGGCCACTTCACGAGGAGTCTAAACAGTCA-3'

ClinVar aggregate classification (germline): Pathogenic (1 of 4 stars; one submission).

Conditions:
Methylmalonic aciduria due to methylmalonyl-CoA mutase deficiency (MAMM). Also called: Methylmalonic aciduria, mut type. Identifiers: Orphanet 27, MedGen C1855114, MONDO:0009612, OMIM 251000.

Submission:

Myriad Genetics, Inc.
Classification: Pathogenic for Methylmalonic aciduria due to methylmalonyl-CoA mutase deficiency. Last evaluated: 2026-05-13. Review status: criteria provided, single submitter. Criteria: Myriad Autosomal Dominant, Autosomal Recessive and X-Linked Classification Criteria (2023). Collection method: clinical testing. Allele origin: unknown.
Comment: NM_000255.3(MMUT):c.2006_2011del6ins5(V669Gfs*3) is a frameshift variant classified as pathogenic in the context of methylmalonic acidemia, MMUT-related. V669Gfs*3 has not been observed in cases with relevant disease. Relevant functional assessments of this variant are not available in the literature. V669Gfs*3 has not been observed in referenced population frequency databases. In summary, NM_000255.3(MMUT):c.2006_2011del6ins5(V669Gfs*3) is a frameshift variant in a gene where loss of function is a known mechanism of disease and is predicted to disrupt protein function. Please note: this variant was assessed in the context of healthy population screening.